The following is an entry in ClinVar:

ClinVar aggregate classification (germline): Conflicting classifications of pathogenicity. Review status: criteria provided, conflicting classifications (1 of 4 stars). 9 submissions from 9 submitters: Uncertain significance (6); Likely benign (3). Last evaluated 2025-04-08.

Conditions:
BAP1-related tumor predisposition syndrome (TPDS1). Also called: COMMON Syndrome; TUMOR PREDISPOSITION SYNDROME 1; Tumor susceptibility linked to germline BAP1 mutations; BAP1 tumor predisposition syndrome. Identifiers: Orphanet 289539, MedGen C3280492, MONDO:0013692, OMIM 614327.
Hereditary cancer-predisposing syndrome. Also called: Neoplastic Syndromes, Hereditary; Tumor predisposition; Hereditary Cancer Syndrome; Hereditary neoplastic syndrome. Identifiers: Orphanet 140162, MedGen C0027672, MeSH D009386, MONDO:0015356.

Allele frequency attached by ClinVar (database versions not stated): gnomAD exomes 0.00001 and 0.00002; TOPMed 0.00001; gnomAD 0.00003.

Submissions (9):

Color Diagnostics, LLC DBA Color Health
Classification: Likely benign for Hereditary cancer-predisposing syndrome. Last evaluated: 2025-04-08. Review status: criteria provided, single submitter. Criteria: ACMG Guidelines, 2015. Collection method: clinical testing. Allele origin: germline.

Center for Genomic Medicine, Rigshospitalet, Copenhagen University Hospital
Classification: Uncertain significance. Last evaluated: 2025-03-04. Review status: criteria provided, single submitter. Criteria: ACMG Guidelines, 2015. Collection method: clinical testing. Allele origin: germline.

Labcorp Genetics (formerly Invitae), Labcorp
Classification: Uncertain significance for BAP1-related tumor predisposition syndrome. Last evaluated: 2025-01-26. Review status: criteria provided, single submitter. Criteria: Invitae Variant Classification Sherloc (09022015). Collection method: clinical testing. Allele origin: germline.
Comment: This sequence change replaces glycine, which is neutral and non-polar, with serine, which is neutral and polar, at codon 431 of the BAP1 protein (p.Gly431Ser). This variant is present in population databases (no rsID available, gnomAD 0.002%). This variant has not been reported in the literature in individuals affected with BAP1-related conditions. ClinVar contains an entry for this variant (Variation ID: 539916). Invitae Evidence Modeling of protein sequence and biophysical properties (such as structural, functional, and spatial information, amino acid conservation, physicochemical variation, residue mobility, and thermodynamic stability) indicates that this missense variant is not expected to disrupt BAP1 protein function with a negative predictive value of 80%. In summary, the available evidence is currently insufficient to determine the role of this variant in disease. Therefore, it has been classified as a Variant of Uncertain Significance.

GeneDx
Classification: Uncertain significance. Last evaluated: 2024-12-13. Review status: criteria provided, single submitter. Criteria: GeneDx Variant Classification Process June 2021. Collection method: clinical testing. Allele origin: germline. Affected: yes.
Comment: Not observed at significant frequency in large population cohorts (gnomAD); In silico analysis indicates that this missense variant does not alter protein structure/function; Has not been previously published as pathogenic or benign to our knowledge

Myriad Genetics, Inc.
Classification: Likely benign for BAP1-related tumor predisposition syndrome. Last evaluated: 2024-07-16. Review status: criteria provided, single submitter. Criteria: Myriad Autosomal Dominant, Autosomal Recessive and X-Linked Classification Criteria (2023). Collection method: clinical testing. Allele origin: unknown.
Comment: This variant is considered likely benign. This variant has been observed at a population frequency that is significantly greater than expected given the associated disease prevalence and penetrance.

Baylor Genetics
Classification: Uncertain significance for BAP1-related tumor predisposition syndrome. Last evaluated: 2019-09-30. Review status: criteria provided, single submitter. Criteria: ACMG Guidelines, 2015. Collection method: clinical testing. Allele origin: maternal. Affected: yes. Study: CSER-TexasKidsCanSeq.
Comment: This variant was determined to be of uncertain significance according to ACMG Guidelines, 2015 [PMID:25741868].

Blueprint Genetics
Classification: Uncertain significance. Last evaluated: 2018-07-30. Review status: criteria provided, single submitter. Criteria: ACMG Guidelines, 2015. Collection method: clinical testing. Allele origin: germline.

Ambry Genetics
Classification: Likely benign for Hereditary cancer-predisposing syndrome. Last evaluated: 2018-05-22. Review status: criteria provided, single submitter. Criteria: Ambry Variant Classification Scheme 2023. Collection method: clinical testing. Allele origin: germline.

Illumina Laboratory Services, Illumina
Classification: Uncertain significance for BAP1-related tumor predisposition syndrome. Last evaluated: 2018-01-13. Review status: criteria provided, single submitter. Criteria: ICSL Variant Classification Criteria 13 December 2019. Collection method: clinical testing. Allele origin: germline.

NM_004656.4(BAP1):c.1291G>A (p.Gly431Ser)

Gene: BAP1 (BRCA1 associated deubiquitinase 1; minus strand). Cytogenetic location: 3p21.1.
Variant type: single nucleotide variant.
Coding change: c.1291G>A on transcript NM_004656.4 (MANE Select); coding-DNA position 1291, G replaced by A.
Protein change: p.Gly431Ser; replaces glycine 431 with serine.
Molecular consequence: missense variant.
Genome position (GRCh38, 1-based): chr3:52,403,854, C>T on the plus strand (G>A on the coding strand, the complement: BAP1 is on the minus strand). VCF-style: chr3-52403854-C-T. GRCh37 (hg19) VCF-style: chr3-52437870-C-T.
Other names: short protein forms G431S.
Identifiers: ClinVar variation 539916 (VCV000539916.29), dbSNP rs915913191, ClinGen allele CA74740979.